The following is an entry in ClinVar:

ClinVar aggregate classification (germline): Uncertain significance. Review status: criteria provided, multiple submitters, no conflicts (2 of 4 stars). 2 submissions from 2 submitters: Uncertain significance (2). Last evaluated 2025-09-10.

Conditions:
CHARGE syndrome (CHARGE). Also called: Hittner Hirsch Kreh syndrome; Coloboma, heart anomaly, choanal atresia, retardation, genital and ear anomalies; CHARGE association; Hall-Hittner syndrome; CHARGE ASSOCIATION--COLOBOMA, HEART ANOMALY, CHOANAL ATRESIA, RETARDATION, GENITAL AND EAR ANOMALIES. Identifiers: Orphanet 138, MedGen C0265354, MONDO:0008965.
Hypogonadotropic hypogonadism 5 with or without anosmia (KAL5). Also called: HYPOGONADOTROPIC HYPOGONADISM 5 WITH ANOSMIA; HYPOGONADOTROPHIC HYPOGONADISM 5 WITHOUT ANOSMIA; CHD7-Related GnRH Deficiency (Kallmann Syndrome 5). Identifiers: Orphanet 478, MedGen C3552553, MONDO:0012880, OMIM 612370. Disease mechanism: loss of function.

Allele frequency attached by ClinVar (database versions not stated): TOPMed 0.00003.

Submissions (2):

Labcorp Genetics (formerly Invitae), Labcorp
Classification: Uncertain significance for CHARGE syndrome. Last evaluated: 2025-09-10. Review status: criteria provided, single submitter. Criteria: Invitae Variant Classification Sherloc (09022015). Collection method: clinical testing. Allele origin: germline.
Comment: This sequence change falls in intron 36 of the CHD7 gene. It does not directly change the encoded amino acid sequence of the CHD7 protein. It affects a nucleotide within the consensus splice site. This variant is present in population databases (rs769103057, gnomAD 0.02%). This variant has not been reported in the literature in individuals affected with CHD7-related conditions. ClinVar contains an entry for this variant (Variation ID: 972191). Variants that disrupt the consensus splice site are a relatively common cause of aberrant splicing (PMID: 17576681, 9536098). Algorithms developed to predict the effect of sequence changes on RNA splicing suggest that this variant is not likely to affect RNA splicing. In summary, the available evidence is currently insufficient to determine the role of this variant in disease. Therefore, it has been classified as a Variant of Uncertain Significance.

Fulgent Genetics
Classification: Uncertain significance for CHD7-related CHARGE syndrome; Hypogonadotropic hypogonadism 5 with or without anosmia. Last evaluated: 2022-02-28. Review status: criteria provided, single submitter. Criteria: ACMG Guidelines, 2015. Collection method: clinical testing. Allele origin: unknown.

Literature cited by the submitters: PubMed 17576681 (cited by Labcorp Genetics (formerly Invitae), Labcorp); PubMed 9536098 (cited by Labcorp Genetics (formerly Invitae), Labcorp).

NM_017780.4(CHD7):c.7971+6C>G

Gene: CHD7 (chromodomain helicase DNA binding protein 7; plus strand). Cytogenetic location: 8q12.2.
Variant type: single nucleotide variant.
Coding change: c.7971+6C>G on transcript NM_017780.4 (MANE Select); 6 bases into the intron after coding-DNA position 7971, C replaced by G.
Molecular consequence: intron variant.
Genome position (GRCh38, 1-based): chr8:60,862,342, C>G. VCF-style: chr8-60862342-C-G. GRCh37 (hg19) VCF-style: chr8-61774901-C-G.
Other names: c.1824+6C>G (NM_001316690.1).
Identifiers: ClinVar variation 972191 (VCV000972191.11), dbSNP rs769103057, ClinGen allele CA4760922.